The following is an entry in ClinVar:

ClinVar aggregate classification (germline): Uncertain significance (1 of 4 stars; one submission).

Conditions:
Xanthinuria type II. Also called: Xanthine dehydrogenase and aldehyde oxidase combined deficiency of; XDH and AOX dual deficiency. Identifiers: Orphanet 3467, Orphanet 93602, MedGen C1863688, MONDO:0011346, OMIM 603592.

Allele frequency attached by ClinVar (database versions not stated): ExAC 0.00002; gnomAD 0.00004; TOPMed 0.00009.
gnomAD v4.1: 34 of 1,614,092 alleles (0.0021%); highest among the groups gnomAD compares: African/African-American, 0.019%; 1 homozygote.

Submission:

Labcorp Genetics (formerly Invitae), Labcorp
Classification: Uncertain significance for Xanthinuria type II. Last evaluated: 2024-06-03. Review status: criteria provided, single submitter. Criteria: Invitae Variant Classification Sherloc (09022015). Collection method: clinical testing. Allele origin: germline.
Comment: This sequence change replaces proline, which is neutral and non-polar, with leucine, which is neutral and non-polar, at codon 1303 of the XDH protein (p.Pro1303Leu). This variant is present in population databases (rs763712363, gnomAD 0.01%). This variant has not been reported in the literature in individuals affected with XDH-related conditions. An algorithm developed to predict the effect of missense changes on protein structure and function (PolyPhen-2) suggests that this variant is likely to be tolerated. In summary, the available evidence is currently insufficient to determine the role of this variant in disease. Therefore, it has been classified as a Variant of Uncertain Significance.

NM_000379.4(XDH):c.3908C>T (p.Pro1303Leu)

Gene: XDH (xanthine dehydrogenase; minus strand). Cytogenetic location: 2p23.1.
Variant type: single nucleotide variant.
Coding change: c.3908C>T on transcript NM_000379.4 (MANE Select); coding-DNA position 3908, C replaced by T.
Protein change: p.Pro1303Leu; replaces proline 1303 with leucine.
Molecular consequence: missense variant.
Genome position (GRCh38, 1-based): chr2:31,337,684, G>A on the plus strand (C>T on the coding strand, the complement: XDH is on the minus strand). VCF-style: chr2-31337684-G-A. GRCh37 (hg19) VCF-style: chr2-31560550-G-A.
Other names: short protein forms P1303L.
Identifiers: ClinVar variation 2914207 (VCV002914207.3), dbSNP rs763712363, ClinGen allele CA1598221.